The following is an entry in ClinVar:

NM_005359.6(SMAD4):c.1009G>C (p.Glu337Gln)

Gene: SMAD4 (SMAD family member 4; plus strand). Cytogenetic location: 18q21.2.
Variant type: single nucleotide variant.
Coding change: c.1009G>C on transcript NM_005359.6 (MANE Select); coding-DNA position 1009, G replaced by C.
Protein change: p.Glu337Gln; replaces glutamic acid 337 with glutamine.
Molecular consequence: missense variant.
Genome position (GRCh38, 1-based): chr18:51,065,476, G>C. VCF-style: chr18-51065476-G-C. GRCh37 (hg19) VCF-style: chr18-48591846-G-C.
Other names: short protein forms E337Q.
Identifiers: ClinVar variation 520189 (VCV000520189.5), dbSNP rs1555686464, ClinGen allele CA402464194.

ClinVar aggregate classification (germline): Uncertain significance (1 of 4 stars; one submission).

Conditions:
Familial thoracic aortic aneurysm and aortic dissection (TAAD). Also called: Thoracic aortic aneurysms and dissections. Identifiers: Orphanet 91387, MedGen C4707243, MONDO:0019625.
Hereditary cancer-predisposing syndrome. Also called: Tumor predisposition; Hereditary neoplastic syndrome; Neoplastic Syndromes, Hereditary; Hereditary Cancer Syndrome. Identifiers: Orphanet 140162, MedGen C0027672, MeSH D009386, MONDO:0015356.

Allele frequency attached by ClinVar (database versions not stated): gnomAD exomes below 0.00001.
gnomAD v4.1: 1 of 1,614,080 alleles (0.000062%); highest among the groups gnomAD compares: African/African-American, 0.0013%; no homozygotes.

Submission:

Ambry Genetics
Classification: Uncertain significance for Hereditary cancer-predisposing syndrome; Familial thoracic aortic aneurysm and aortic dissection. Last evaluated: 2016-07-15. Review status: criteria provided, single submitter. Criteria: Ambry Variant Classification Scheme 2023. Collection method: clinical testing. Allele origin: germline.
Comment: The p.E337Q variant (also known as c.1009G>C), located in coding exon 8 of the SMAD4 gene, results from a G to C substitution at nucleotide position 1009. The glutamic acid at codon 337 is replaced by glutamine, an amino acid with highly similar properties. This variant was not reported in population based cohorts in the following databases: Database of Single Nucleotide Polymorphisms (dbSNP), NHLBI Exome Sequencing Project (ESP), and 1000 Genomes Project. In the ESP, this variant was not observed in 6503 samples (13006 alleles) with coverage at this position. This amino acid position is highly conserved in available vertebrate species. In addition, this alteration is predicted to be deleterious by in silico analysis. Since supporting evidence is limited at this time, the clinical significance of this variant remains unclear.